The following is an entry in ClinVar:

ClinVar aggregate classification (germline): Uncertain significance (1 of 4 stars; one submission).

Conditions:
Charcot-Marie-Tooth disease axonal type 2O. Also called: CHARCOT-MARIE-TOOTH NEUROPATHY, AXONAL, TYPE 2O; CHARCOT-MARIE-TOOTH DISEASE, AXONAL, AUTOSOMAL DOMINANT, TYPE 2O; Charcot-Marie-Tooth Neuropathy Type 2O; Charcot-Marie-Tooth disease, axonal, type 20. Identifiers: Orphanet 284232, MedGen C3280220, MONDO:0013644, OMIM 614228.

gnomAD v4.1: 1 of 1,598,182 alleles (0.000063%); highest among the groups gnomAD compares: Non-Finnish European, 0.000085%; no homozygotes.

Submission:

Labcorp Genetics (formerly Invitae), Labcorp
Classification: Uncertain significance for Charcot-Marie-Tooth disease axonal type 2O. Last evaluated: 2025-03-16. Review status: criteria provided, single submitter. Criteria: Invitae Variant Classification Sherloc (09022015). Collection method: clinical testing. Allele origin: germline.
Comment: This sequence change replaces glutamic acid, which is acidic and polar, with lysine, which is basic and polar, at codon 57 of the DYNC1H1 protein (p.Glu57Lys). This variant is not present in population databases (gnomAD no frequency). This variant has not been reported in the literature in individuals affected with DYNC1H1-related conditions. Invitae Evidence Modeling of protein sequence and biophysical properties (such as structural, functional, and spatial information, amino acid conservation, physicochemical variation, residue mobility, and thermodynamic stability) indicates that this missense variant is not expected to disrupt DYNC1H1 protein function with a negative predictive value of 95%. In summary, the available evidence is currently insufficient to determine the role of this variant in disease. Therefore, it has been classified as a Variant of Uncertain Significance.

NM_001376.5(DYNC1H1):c.169G>A (p.Glu57Lys)

Gene: DYNC1H1 (dynein cytoplasmic 1 heavy chain 1; plus strand). Cytogenetic location: 14q32.31.
Variant type: single nucleotide variant.
Coding change: c.169G>A on transcript NM_001376.5 (MANE Select); coding-DNA position 169, G replaced by A.
Protein change: p.Glu57Lys; replaces glutamic acid 57 with lysine.
Molecular consequence: missense variant.
Genome position (GRCh38, 1-based): chr14:101,964,860, G>A. VCF-style: chr14-101964860-G-A. GRCh37 (hg19) VCF-style: chr14-102431197-G-A.
Other names: short protein forms E57K.
Identifiers: ClinVar variation 4802026 (VCV004802026.1).